The following is an entry in ClinVar:

NM_001276270.2(MBD4):c.7A>G (p.Thr3Ala)

Genes: MBD4 (methyl-CpG binding domain 4, DNA glycosylase; minus strand), LOC129937550 (ATAC-STARR-seq lymphoblastoid active region 20512; plus strand). Cytogenetic location: 3q21.3.
Variant type: single nucleotide variant.
Coding change: c.7A>G on transcript NM_001276270.2 (MANE Select); coding-DNA position 7, A replaced by G.
Protein change: p.Thr3Ala; replaces threonine 3 with alanine.
Molecular consequence: missense variant.
Genome position (GRCh38, 1-based): chr3:129,439,827, T>C on the plus strand (A>G on the coding strand, the complement: MBD4 is on the minus strand). VCF-style: chr3-129439827-T-C. GRCh37 (hg19) VCF-style: chr3-129158670-T-C.
Other names: c.7A>G, p.Thr3Ala (NM_001276271.2, NM_001276272.2, NM_001276273.2 and 1 more transcripts); short protein forms T3A.
Identifiers: ClinVar variation 2696433 (VCV002696433.3), dbSNP rs1216773542, ClinGen allele CA354468998.

ClinVar aggregate classification (germline): Uncertain significance (1 of 4 stars; one submission).

Allele frequency attached by ClinVar (database versions not stated): gnomAD exomes below 0.00001.

Submission:

Labcorp Genetics (formerly Invitae), Labcorp
Classification: Uncertain significance. Last evaluated: 2025-07-14. Review status: criteria provided, single submitter. Criteria: Invitae Variant Classification Sherloc (09022015). Collection method: clinical testing. Allele origin: germline.
Comment: This sequence change replaces threonine, which is neutral and polar, with alanine, which is neutral and non-polar, at codon 3 of the MBD4 protein (p.Thr3Ala). This variant is not present in population databases (gnomAD no frequency). This variant has not been reported in the literature in individuals affected with MBD4-related conditions. ClinVar contains an entry for this variant (Variation ID: 2696433). An algorithm developed to predict the effect of missense changes on protein structure and function outputs the following: PolyPhen-2: "Benign". The alanine amino acid residue is found in multiple mammalian species, which suggests that this missense change does not adversely affect protein function. In summary, the available evidence is currently insufficient to determine the role of this variant in disease. Therefore, it has been classified as a Variant of Uncertain Significance.